The following is an entry in ClinVar:

NM_000179.3(MSH6):c.275_276inv (p.Pro92Leu)

Gene: MSH6 (mutS homolog 6; plus strand). Cytogenetic location: 2p16.3.
Variant type: Inversion.
Coding change: c.275_276inv on transcript NM_000179.3 (MANE Select).
Protein change: p.Pro92Leu; replaces proline 92 with leucine.
Molecular consequence: missense variant. On other transcripts: 5 prime UTR variant (2), intron variant (1).
Genome position: GRCh38 VCF-style: chr2-47790941-CA-TG. GRCh37 (hg19) VCF-style: chr2-48018080-CA-TG.
Other names: c.275_276invCA (NM_000179.2); c.-462_-461inv (NM_001281493.2); c.-628_-627inv (NM_001281494.2); c.237+7471_237+7472inv (NM_001281492.2); c.275_276delinsTG (NM_000179.3); short protein forms P92L.
Identifiers: ClinVar variation 232250 (VCV000232250.25), ClinGen allele CA10578031.

ClinVar aggregate classification (germline): Conflicting classifications of pathogenicity. Review status: criteria provided, conflicting classifications (1 of 4 stars). 6 submissions from 6 submitters: Uncertain significance (5); Likely benign (1). Last evaluated 2025-11-17.

Conditions:
Hereditary nonpolyposis colorectal neoplasms. Identifiers: MedGen C0009405, MeSH D003123.
Hereditary cancer-predisposing syndrome. Also called: Neoplastic Syndromes, Hereditary; Tumor predisposition; Hereditary Cancer Syndrome; Hereditary neoplastic syndrome. Identifiers: Orphanet 140162, MedGen C0027672, MeSH D009386, MONDO:0015356.

Submissions (6):

Labcorp Genetics (formerly Invitae), Labcorp
Classification: Likely benign for Hereditary nonpolyposis colorectal neoplasms. Last evaluated: 2025-11-17. Review status: criteria provided, single submitter. Criteria: Invitae Variant Classification Sherloc (09022015). Collection method: clinical testing. Allele origin: germline.

Quest Diagnostics Nichols Institute San Juan Capistrano
Classification: Uncertain significance. Last evaluated: 2025-07-11. Review status: criteria provided, single submitter. Criteria: Quest Diagnostics criteria. Collection method: clinical testing. Allele origin: unknown.
Comment: The MSH6 c.275_276delinsTG (p.Pro92Leu) variant has not been reported in individuals with MSH6-related conditions in the published literature. The frequency of this variant in the general population (Genome Aggregation Database) is uninformative in the assessment of its pathogenicity. Analysis of this variant using bioinformatics tools for the prediction of the effect of amino acid changes on protein structure and function yielded conflicting predictions that this variant is deleterious or benign. Based on the available information, we are unable to determine the clinical significance of this variant.

Ambry Genetics
Classification: Uncertain significance for Hereditary cancer-predisposing syndrome. Last evaluated: 2025-05-20. Review status: criteria provided, single submitter. Criteria: Ambry Variant Classification Scheme 2023. Collection method: clinical testing. Allele origin: germline.
Comment: The c.275_276delCAinsTG (also known as p.P92L) variant, located in coding exon 2 of the MSH6 gene, results from an in-frame deletion of CA and insertion of TG at nucleotide positions 275 and 276. The proline at codon 92 is replaced by leucine, an amino acid with similar properties. This amino acid position is highly conserved in available vertebrate species. In addition, this alteration is predicted to be neutral by in silico analysis (Choi Y et al. PLoS ONE. 2012; 7(10):e46688). Based on the available evidence, the clinical significance of this variant remains unclear.

Color Diagnostics, LLC DBA Color Health
Classification: Uncertain significance for Hereditary cancer-predisposing syndrome. Last evaluated: 2024-03-06. Review status: criteria provided, single submitter. Criteria: ACMG Guidelines, 2015. Collection method: clinical testing. Allele origin: germline.
Comment: This missense variant replaces proline with leucine at codon 92 of the MSH6 protein. Computational prediction suggests that this variant may not impact protein structure and function (internally defined REVEL score threshold <= 0.5, PMID: 27666373). Splice site prediction tools suggest that this variant may not impact RNA splicing. To our knowledge, functional studies have not been performed for this variant. This variant has not been reported in individuals affected with hereditary cancer in the literature. This variant has not been identified in the general population by the Genome Aggregation Database (gnomAD). The available evidence is insufficient to determine the role of this variant in disease conclusively. Therefore, this variant is classified as a Variant of Uncertain Significance.

Women's Health and Genetics/Laboratory Corporation of America, LabCorp
Classification: Uncertain significance. Last evaluated: 2021-09-23. Review status: criteria provided, single submitter. Criteria: LabCorp Variant Classification Summary - May 2015. Collection method: clinical testing. Allele origin: germline.
Comment: Variant summary: MSH6 c.275_276delinsTG (p.Pro92Leu) results in a non-conservative amino acid change located in the PWWP domain of the encoded protein sequence. Three of five in-silico tools predict a damaging effect of the variant on protein function. The variant allele was found at a frequency of 4e-06 in 251470 control chromosomes. The available data on variant occurrences in the general population are insufficient to allow any conclusion about variant significance. To our knowledge, no occurrence of c.275_276delinsTG in individuals affected with Hereditary Nonpolyposis Colorectal Cancer and no experimental evidence demonstrating its impact on protein function have been reported. Three clinical diagnostic laboratories have submitted clinical-significance assessments for this variant to ClinVar after 2014 without evidence for independent evaluation. All laboratories classified the variant as uncertain significance. Based on the evidence outlined above, the variant was classified as uncertain significance.

GeneDx
Classification: Uncertain significance. Last evaluated: 2020-09-25. Review status: criteria provided, single submitter. Criteria: GeneDx Variant Classification Process June 2021. Collection method: clinical testing. Allele origin: germline. Affected: yes.
Comment: Not observed at a significant frequency in large population cohorts (Lek 2016); In silico analysis supports that this variant does not alter protein structure/function; Has not been previously published as pathogenic or benign to our knowledge